The following is an entry in ClinVar:

ClinVar aggregate classification (germline): Pathogenic/Likely pathogenic. Review status: criteria provided, multiple submitters, no conflicts (2 of 4 stars). 7 submissions from 7 submitters: Pathogenic (5); Likely pathogenic (1). 1 of the submissions does not count toward it. Last evaluated 2025-09-18.

Conditions:
Hereditary cancer-predisposing syndrome. Also called: Neoplastic Syndromes, Hereditary; Tumor predisposition; Hereditary Cancer Syndrome; Hereditary neoplastic syndrome. Identifiers: Orphanet 140162, MedGen C0027672, MeSH D009386, MONDO:0015356.
Tuberous sclerosis 2 (TSC2). Identifiers: Orphanet 805, MedGen C1860707, MONDO:0013199, OMIM 613254.
Tuberous sclerosis syndrome (TSC). Also called: Tuberous Sclerosis Complex; Tuberous sclerosis. Identifiers: Orphanet 805, MedGen C0041341, MONDO:0001734.

Submissions (7):

Cambridge Genomics Laboratory, East Genomic Laboratory Hub, NHS Genomic Medicine Service
Classification: Pathogenic for Tuberous sclerosis. Last evaluated: 2025-09-18. Review status: criteria provided, single submitter. Criteria: ACGS Best Practice Guidelines for Variant Classification in Rare Disease 2020. Collection method: clinical testing. Allele origin: germline. Affected: yes.
Comment: PVS1,PM2,PP4

Ambry Genetics
Classification: Likely pathogenic for Hereditary cancer-predisposing syndrome. Last evaluated: 2025-05-06. Review status: criteria provided, single submitter. Criteria: Ambry Variant Classification Scheme 2023. Collection method: clinical testing. Allele origin: germline.
Comment: The c.5068+1G>A intronic variant results from a G to A substitution one nucleotide after coding exon 38 of the TSC2 gene. Alterations that disrupt the canonical splice site are expected to result in aberrant splicing. A resulting transcript is not expected to trigger nonsense-mediated mRNA decay and only impacts the last 8% of the protein. The exact functional effect of this alteration is unknown; however, the region predicted to be impacted is critical for protein function and a significant portion of the protein is affected (Ambry internal data). This variant was reported in individual(s) with features consistent with tuberous sclerosis complex (Muzykewicz DA et al. J Med Genet, 2009 Jul;46:465-8; Ambry internal data). This variant is considered to be rare based on population cohorts in the Genome Aggregation Database (gnomAD). This nucleotide position is highly conserved in available vertebrate species. In silico splice site analysis predicts that this alteration will weaken the native splice donor site and may result in the creation or strengthening of a novel splice donor site. Based on the majority of available evidence to date, this variant is likely to be pathogenic.

Labcorp Genetics (formerly Invitae), Labcorp
Classification: Pathogenic for Tuberous sclerosis 2. Last evaluated: 2025-04-10. Review status: criteria provided, single submitter. Criteria: Invitae Variant Classification Sherloc (09022015). Collection method: clinical testing. Allele origin: germline.
Comment: This sequence change affects a donor splice site in intron 39 of the TSC2 gene. It is expected to disrupt RNA splicing. Variants that disrupt the donor or acceptor splice site typically lead to a loss of protein function (PMID: 16199547), and loss-of-function variants in TSC2 are known to be pathogenic (PMID: 10205261, 17304050). This variant is not present in population databases (gnomAD no frequency). Disruption of this splice site has been observed in individuals with tuberous sclerosis complex (PMID: 19419980, 25782670). ClinVar contains an entry for this variant (Variation ID: 50026). Algorithms developed to predict the effect of sequence changes on RNA splicing suggest that this variant may disrupt the consensus splice site. For these reasons, this variant has been classified as Pathogenic.

Athena Diagnostics
Classification: Pathogenic. Last evaluated: 2024-04-15. Review status: criteria provided, single submitter. Criteria: Athena Diagnostics Criteria. Collection method: clinical testing. Allele origin: unknown.
Comment: This variant is expected to severely impact normal RNA splicing, and consequently, protein structure and/or function. This variant has not been reported in large, multi-ethnic general populations. This variant has been identified in at least one individual with clinical features associated with this gene.

Genome-Nilou Lab
Classification: Pathogenic for Tuberous sclerosis 2. Last evaluated: 2021-11-07. Review status: criteria provided, single submitter. Criteria: ACMG Guidelines, 2015. Collection method: clinical testing. Allele origin: germline. Affected: no.

GeneDx
Classification: Pathogenic. Last evaluated: 2021-06-09. Review status: criteria provided, single submitter. Criteria: GeneDx Variant Classification Process June 2021. Collection method: clinical testing. Allele origin: germline. Affected: yes.
Comment: Not observed at significant frequency in large population cohorts (Lek et al., 2016); Canonical splice site variant predicted to result in a null allele in a gene for which loss-of-function is a known mechanism of disease; This variant is associated with the following publications: (PMID: 27535533, 19419980)

Tuberous sclerosis database (TSC2)
No classification provided. Condition: TSC. Review status: no classification provided. Criteria: Tuberous Sclerosis Database Assertion Criteria 2015. Collection method: curation. Allele origin: germline. Affected: yes. Not counted in ClinVar's aggregate classification.

Literature cited by the submitters: PubMed 19419980 (cited by 3 submitters); PubMed 16199547 (cited by Labcorp Genetics (formerly Invitae), Labcorp); PubMed 10205261 (cited by Labcorp Genetics (formerly Invitae), Labcorp); PubMed 17304050 (cited by Labcorp Genetics (formerly Invitae), Labcorp); PubMed 25782670 (cited by Labcorp Genetics (formerly Invitae), Labcorp); PubMed 21915260 (cited by Athena Diagnostics).

NM_000548.5(TSC2):c.5068+1G>A

Gene: TSC2 (TSC complex subunit 2; plus strand). Cytogenetic location: 16p13.3.
Variant type: single nucleotide variant.
Coding change: c.5068+1G>A on transcript NM_000548.5 (MANE Select); the canonical splice donor site of the intron after coding-DNA position 5068, G replaced by A.
Molecular consequence: splice donor variant.
Genome position (GRCh38, 1-based): chr16:2,087,942, G>A. VCF-style: chr16-2087942-G-A. GRCh37 (hg19) VCF-style: chr16-2137943-G-A.
Other names: c.3526+1G>A (NM_001406693.1, NM_001406692.1, NM_001406694.1); c.4960+1G>A (NM_001406667.1); c.4957+1G>A (NM_001406668.1); c.4468+1G>A (NM_001406680.1); c.4399+1G>A (NM_001406683.1, NM_001406682.1); c.4267+1G>A (NM_001406687.1, NM_001406688.1); c.3655+1G>A (NM_001406689.1); c.3595+1G>A (NM_001406690.1); and 26 more.
Identifiers: ClinVar variation 50026 (VCV000050026.16), dbSNP rs45445199, ClinGen allele CA021612.